The following is an entry in ClinVar:

NM_012310.5(KIF4A):c.922C>G (p.Leu308Val)

Gene: KIF4A (kinesin family member 4A; plus strand). Cytogenetic location: Xq13.1.
Variant type: single nucleotide variant.
Coding change: c.922C>G on transcript NM_012310.5 (MANE Select); coding-DNA position 922, C replaced by G.
Protein change: p.Leu308Val; replaces leucine 308 with valine.
Molecular consequence: missense variant.
Genome position (GRCh38, 1-based): chrX:70,330,183, C>G. VCF-style: chrX-70330183-C-G. GRCh37 (hg19) VCF-style: chrX-69550033-C-G.
Other names: short protein forms L308V.
Identifiers: ClinVar variation 3899707 (VCV003899707.1).

ClinVar aggregate classification (germline): Uncertain significance (1 of 4 stars; one submission).

Submission:

GeneDx
Classification: Uncertain significance. Last evaluated: 2024-11-14. Review status: criteria provided, single submitter. Criteria: GeneDx Variant Classification Process June 2021. Collection method: clinical testing. Allele origin: germline. Affected: yes.
Comment: Not observed at significant frequency in large population cohorts (gnomAD); In silico analysis indicates that this missense variant does not alter protein structure/function; Has not been previously published as pathogenic or benign to our knowledge